The following is an entry in ClinVar:

ClinVar aggregate classification (germline): Uncertain significance. Review status: criteria provided, multiple submitters, no conflicts (2 of 4 stars). 3 submissions from 3 submitters: Uncertain significance (3). Last evaluated 2024-10-01.

Conditions:
Inborn genetic diseases. Identifiers: MedGen C0950123, MeSH D030342.

Allele frequency attached by ClinVar (database versions not stated): gnomAD exomes below 0.00001; ExAC 0.00002.
gnomAD v4.1: 4 of 1,614,046 alleles (0.00025%); highest among the groups gnomAD compares: Non-Finnish European, 0.00025%; no homozygotes.

Submissions (3):

Ambry Genetics
Classification: Uncertain significance for Inborn genetic diseases. Last evaluated: 2024-10-01. Review status: criteria provided, single submitter. Criteria: Ambry Variant Classification Scheme 2023. Collection method: clinical testing. Allele origin: germline.

Blueprint Genetics
Classification: Uncertain significance. Last evaluated: 2024-09-25. Review status: criteria provided, single submitter. Criteria: ACMG Guidelines, 2015. Collection method: clinical testing. Allele origin: germline.

Labcorp Genetics (formerly Invitae), Labcorp
Classification: Uncertain significance. Last evaluated: 2022-07-09. Review status: criteria provided, single submitter. Criteria: Invitae Variant Classification Sherloc (09022015). Collection method: clinical testing. Allele origin: germline.
Comment: In summary, the available evidence is currently insufficient to determine the role of this variant in disease. Therefore, it has been classified as a Variant of Uncertain Significance. Algorithms developed to predict the effect of missense changes on protein structure and function are either unavailable or do not agree on the potential impact of this missense change (SIFT: "Deleterious"; PolyPhen-2: "Possibly Damaging"; Align-GVGD: "Class C0"). This variant has not been reported in the literature in individuals affected with TRPM1-related conditions. This variant is present in population databases (rs748968464, gnomAD 0.002%). This sequence change replaces glycine, which is neutral and non-polar, with arginine, which is basic and polar, at codon 402 of the TRPM1 protein (p.Gly402Arg).

NM_001252024.2(TRPM1):c.1270G>A (p.Gly424Arg)

Gene: TRPM1 (transient receptor potential cation channel subfamily M member 1; minus strand). Cytogenetic location: 15q13.3.
Variant type: single nucleotide variant.
Coding change: c.1270G>A on transcript NM_001252024.2 (MANE Select); coding-DNA position 1270, G replaced by A.
Protein change: p.Gly424Arg; replaces glycine 424 with arginine.
Molecular consequence: missense variant.
Genome position (GRCh38, 1-based): chr15:31,050,576, C>T on the plus strand (G>A on the coding strand, the complement: TRPM1 is on the minus strand). VCF-style: chr15-31050576-C-T. GRCh37 (hg19) VCF-style: chr15-31342779-C-T.
Other names: c.1321G>A, p.Gly441Arg (NM_001252020.2); c.1204G>A, p.Gly402Arg (NM_002420.6); c.1204G>A (NM_002420.4); short protein forms G441R, G402R, G424R.
Identifiers: ClinVar variation 1930976 (VCV001930976.7), dbSNP rs748968464, ClinGen allele CA7452608.